The following is an entry in ClinVar:

ClinVar aggregate classification (germline): Uncertain significance. Review status: criteria provided, multiple submitters, no conflicts (2 of 4 stars). 4 submissions from 4 submitters: Uncertain significance (4). Last evaluated 2026-01-11.

Conditions:
Inborn genetic diseases. Identifiers: MedGen C0950123, MeSH D030342.
X-linked intellectual disability, van Esch type. Also called: MENTAL RETARDATION, X-LINKED, SYNDROMIC, VAN ESCH-O''DRISCOLL TYPE; Van Esch-O'Driscoll syndrome. Identifiers: Orphanet 163976, MedGen C4305072, MONDO:0015601, OMIM 301030.

Allele frequency attached by ClinVar (database versions not stated): ExAC 0.00001; gnomAD exomes 0.00001; gnomAD 0.00003 and 0.00004; TOPMed 0.00003.
gnomAD v4.1: 19 of 1,175,334 alleles (0.0016%); highest among the groups gnomAD compares: Middle Eastern, 0.047%; no homozygotes.

Submissions (4):

Labcorp Genetics (formerly Invitae), Labcorp
Classification: Uncertain significance. Last evaluated: 2026-01-11. Review status: criteria provided, single submitter. Criteria: Invitae Variant Classification Sherloc (09022015). Collection method: clinical testing. Allele origin: germline.
Comment: This sequence change replaces glycine, which is neutral and non-polar, with glutamic acid, which is acidic and polar, at codon 833 of the POLA1 protein (p.Gly833Glu). This variant is present in population databases (rs776375253, gnomAD 0.001%). This variant has not been reported in the literature in individuals affected with POLA1-related conditions. ClinVar contains an entry for this variant (Variation ID: 1440824). Invitae Evidence Modeling of protein sequence and biophysical properties (such as structural, functional, and spatial information, amino acid conservation, physicochemical variation, residue mobility, and thermodynamic stability) indicates that this missense variant is not expected to disrupt POLA1 protein function with a negative predictive value of 80%. In summary, the available evidence is currently insufficient to determine the role of this variant in disease. Therefore, it has been classified as a Variant of Uncertain Significance.

Neuberg Centre For Genomic Medicine, NCGM
Classification: Uncertain significance for X-linked intellectual disability, van Esch type. Last evaluated: 2023-05-20. Review status: criteria provided, single submitter. Criteria: ACMG Guidelines, 2015. Collection method: clinical testing. Allele origin: germline. Inheritance: X-linked recessive inheritance. Affected: yes.
Comment: The missense variant c.2516G>A(p.Gly839Glu) in POLA1 gene has not been reported previously as a pathogenic variant nor as a benign variant, to our knowledge. The observed variant has allele frequency of 0.0006% in gnomAD exomes database. This variant has been subkitted to the ClinVar database as Uncertain Significance. Multiple lines of computational evidence (Polyphen - possibly damaging , SIFT - damaging and MutationTaster - disease causing) predict a damaging effect on protein structure and function for this variant. The amino acid change p.Gly839Glu in POLA1 is predicted as conserved by GERP++ and PhyloP across 100 vertebrates. The amino acid Gly at position 839 is changed to a Glu changing protein sequence and it might alter its composition and physico-chemical properties. For these reasons, this variant has been classified as Uncertain Significance (VUS).

CeGaT Center for Human Genetics Tuebingen
Classification: Uncertain significance. Last evaluated: 2022-10-01. Review status: criteria provided, single submitter. Criteria: CeGaT Center For Human Genetics Tuebingen Variant Classification Criteria Version 2. Collection method: clinical testing. Allele origin: germline. Affected: yes. Observed: 1 variant allele.

Ambry Genetics
Classification: Uncertain significance for Inborn genetic diseases. Last evaluated: 2022-06-24. Review status: criteria provided, single submitter. Criteria: Ambry Variant Classification Scheme 2023. Collection method: clinical testing. Allele origin: germline.

NM_001330360.2(POLA1):c.2516G>A (p.Gly839Glu)

Gene: POLA1 (DNA polymerase alpha 1, catalytic subunit; plus strand). Cytogenetic location: Xp22.11.
Variant type: single nucleotide variant.
Coding change: c.2516G>A on transcript NM_001330360.2 (MANE Select); coding-DNA position 2516, G replaced by A.
Protein change: p.Gly839Glu; replaces glycine 839 with glutamic acid.
Molecular consequence: missense variant. On other transcripts: non-coding transcript variant (2).
Genome position (GRCh38, 1-based): chrX:24,743,279, G>A. VCF-style: chrX-24743279-G-A. GRCh37 (hg19) VCF-style: chrX-24761396-G-A.
Other names: c.2498G>A (NM_016937.3); c.2441G>A, p.Gly814Glu (NM_001378303.1); c.2498G>A, p.Gly833Glu (NM_016937.4); short protein forms G814E, G833E, G839E.
Identifiers: ClinVar variation 1440824 (VCV001440824.32), dbSNP rs776375253, ClinGen allele CA10373229.